The following is an entry in ClinVar:

ClinVar aggregate classification (germline): Uncertain significance (1 of 4 stars; one submission).

Allele frequency attached by ClinVar (database versions not stated): gnomAD exomes below 0.00001; gnomAD 0.00001; TOPMed 0.00001.
gnomAD v4.1: 3 of 1,605,874 alleles (0.00019%); highest among the groups gnomAD compares: Non-Finnish European, 0.00026%; no homozygotes.

Submission:

Labcorp Genetics (formerly Invitae), Labcorp
Classification: Uncertain significance. Last evaluated: 2021-06-19. Review status: criteria provided, single submitter. Criteria: Invitae Variant Classification Sherloc (09022015). Collection method: clinical testing. Allele origin: germline.
Comment: This sequence change replaces arginine with glutamine at codon 5085 of the PCLO protein (p.Arg5085Gln). The arginine residue is weakly conserved and there is a small physicochemical difference between arginine and glutamine. This variant is not present in population databases (ExAC no frequency). This variant has not been reported in the literature in individuals with PCLO-related conditions. Algorithms developed to predict the effect of missense changes on protein structure and function are either unavailable or do not agree on the potential impact of this missense change (SIFT: "Deleterious"; PolyPhen-2: "Not Available"; Align-GVGD: "Class C0"). In summary, the available evidence is currently insufficient to determine the role of this variant in disease. Therefore, it has been classified as a Variant of Uncertain Significance.

NM_033026.6(PCLO):c.15254G>A (p.Arg5085Gln)

Gene: PCLO (piccolo presynaptic cytomatrix protein; minus strand). Cytogenetic location: 7q21.11.
Variant type: single nucleotide variant.
Coding change: c.15254G>A on transcript NM_033026.6 (MANE Select); coding-DNA position 15254, G replaced by A.
Protein change: p.Arg5085Gln; replaces arginine 5085 with glutamine.
Molecular consequence: missense variant.
Genome position (GRCh38, 1-based): chr7:82,760,673, C>T on the plus strand (G>A on the coding strand, the complement: PCLO is on the minus strand). VCF-style: chr7-82760673-C-T. GRCh37 (hg19) VCF-style: chr7-82389989-C-T.
Other names: short protein forms R5085Q.
Identifiers: ClinVar variation 1442750 (VCV001442750.8), dbSNP rs569045178, ClinGen allele CA161686487.